The following is an entry in ClinVar:

ClinVar aggregate classification (germline): Benign/Likely benign. Review status: criteria provided, multiple submitters, no conflicts (2 of 4 stars). 5 submissions from 5 submitters: Benign (4); Likely benign (1). Last evaluated 2026-02-04.

Conditions:
Lethal multiple pterygium syndrome (LMPS). Identifiers: Orphanet 33108, MedGen C1854678, MONDO:0009668, OMIM 253290.

Allele frequency attached by ClinVar (database versions not stated): gnomAD 0.02796 and 0.02629; TOPMed 0.02978; ExAC 0.03200; gnomAD exomes 0.03347; 1000 Genomes Project 30x 0.04263; ESP Exome Variant Server 0.01799; 1000 Genomes Project 0.04653.
gnomAD v4.1: 39,234 of 1,614,044 alleles (2.4%); highest among the groups gnomAD compares: East Asian, 11%; 865 homozygotes.

Submissions (5):

Labcorp Genetics (formerly Invitae), Labcorp
Classification: Benign. Last evaluated: 2026-02-04. Review status: criteria provided, single submitter. Criteria: Invitae Variant Classification Sherloc (09022015). Collection method: clinical testing. Allele origin: germline.

GeneDx
Classification: Benign. Last evaluated: 2019-11-25. Review status: criteria provided, single submitter. Criteria: GeneDx Variant Classification Process June 2021. Collection method: clinical testing. Allele origin: germline. Affected: yes.

Illumina Laboratory Services, Illumina
Classification: Benign for Lethal multiple pterygium syndrome. Last evaluated: 2018-01-13. Review status: criteria provided, single submitter. Criteria: ICSL Variant Classification Criteria 13 December 2019. Collection method: clinical testing. Allele origin: germline.
Comment: This variant was observed in the ICSL laboratory as part of a predisposition screen in an ostensibly healthy population. It had not been previously curated by ICSL or reported in the Human Gene Mutation Database (HGMD: prior to June 1st, 2018), and was therefore a candidate for classification through an automated scoring system. Utilizing variant allele frequency, disease prevalence and penetrance estimates, and inheritance mode, an automated score was calculated to assess if this variant is too frequent to cause the disease. Based on the score and internal cut-off values, a variant classified as benign is not then subjected to further curation. The score for this variant resulted in a classification of benign for this disease.

Breakthrough Genomics
Classification: Likely benign. Review status: criteria provided, single submitter. Criteria: ACMG Guidelines, 2015. Collection method: not provided. Allele origin: germline. Inheritance: Autosomal recessive inheritance. Affected: yes.

PreventionGenetics, part of Exact Sciences
Classification: Benign. Review status: criteria provided, single submitter. Criteria: ACMG Guidelines, 2015. Collection method: clinical testing. Allele origin: germline.

NM_005199.5(CHRNG):c.445G>A (p.Ala149Thr)

Gene: CHRNG (cholinergic receptor nicotinic gamma subunit; plus strand). Cytogenetic location: 2q37.1.
Variant type: single nucleotide variant.
Coding change: c.445G>A on transcript NM_005199.5 (MANE Select); coding-DNA position 445, G replaced by A.
Protein change: p.Ala149Thr; replaces alanine 149 with threonine.
Molecular consequence: missense variant.
Genome position (GRCh38, 1-based): chr2:232,541,468, G>A. VCF-style: chr2-232541468-G-A. GRCh37 (hg19) VCF-style: chr2-233406178-G-A.
Other names: short protein forms A149T.
Identifiers: ClinVar variation 259667 (VCV000259667.13), dbSNP rs2289080, ClinGen allele CA2168670.